The following is an entry in ClinVar:

NM_000308.4(CTSA):c.-17G>A

Gene: CTSA (cathepsin A; plus strand). Cytogenetic location: 20q13.12.
Variant type: single nucleotide variant.
Coding change: c.-17G>A on transcript NM_000308.4 (MANE Select); 17 bases upstream of the start codon, G replaced by A.
Molecular consequence: 5 prime UTR variant. On other transcripts: non-coding transcript variant (1).
Genome position (GRCh38, 1-based): chr20:45,891,363, G>A. VCF-style: chr20-45891363-G-A. GRCh37 (hg19) VCF-style: chr20-44520002-G-A.
Other names: c.-63G>A (NM_001127695.3); c.-17G>A (NM_001167594.3); c.38G>A (NM_000308.2, NM_000308.3).
Identifiers: ClinVar variation 624193 (VCV000624193.49), dbSNP rs372800409, ClinGen allele CA9882875.

ClinVar aggregate classification (germline): Uncertain significance. Review status: criteria provided, multiple submitters, no conflicts (2 of 4 stars). 5 submissions from 5 submitters: Uncertain significance (5). Last evaluated 2025-05-12.

Conditions:
Inborn genetic diseases. Identifiers: MedGen C0950123, MeSH D030342.
Combined deficiency of sialidase AND beta galactosidase (GSL). Also called: NEURAMINIDASE DEFICIENCY WITH BETA-GALACTOSIDASE DEFICIENCY; NEURAMINIDASE/BETA-GALACTOSIDASE EXPRESSION; PPCA DEFICIENCY; PROTECTIVE PROTEIN/CATHEPSIN A DEFICIENCY; CATHEPSIN A DEFICIENCY; Galactosialidosis. Identifiers: Orphanet 351, MedGen C0268233, MONDO:0009737, OMIM 256540.
CTSA-related disorder. Also called: CTSA-related condition.

Allele frequency attached by ClinVar (database versions not stated): gnomAD 0.00003; gnomAD exomes 0.00003 and 0.00006; TOPMed 0.00005; ExAC 0.00017; ESP Exome Variant Server 0.00017.

Submissions (5):

Labcorp Genetics (formerly Invitae), Labcorp
Classification: Uncertain significance for Combined deficiency of sialidase AND beta galactosidase. Last evaluated: 2025-05-12. Review status: criteria provided, single submitter. Criteria: Invitae Variant Classification Sherloc (09022015). Collection method: clinical testing. Allele origin: germline.
Comment: This sequence change replaces glycine, which is neutral and non-polar, with glutamic acid, which is acidic and polar, at codon 13 of the CTSA protein (p.Gly13Glu). This variant is present in population databases (rs372800409, gnomAD 0.01%). This variant has not been reported in the literature in individuals affected with CTSA-related conditions. ClinVar contains an entry for this variant (Variation ID: 624193). An algorithm developed to predict the effect of missense changes on protein structure and function (PolyPhen-2) suggests that this variant is likely to be tolerated. In summary, the available evidence is currently insufficient to determine the role of this variant in disease. Therefore, it has been classified as a Variant of Uncertain Significance.

PreventionGenetics, part of Exact Sciences
Classification: Uncertain significance for CTSA-related condition. Last evaluated: 2025-04-11. Review status: criteria provided, single submitter. Criteria: ACMG Guidelines, 2015. Collection method: clinical testing. Allele origin: germline.
Comment: The CTSA c.38G>A variant is predicted to result in the amino acid substitution p.Gly13Glu. To our knowledge, this variant has not been reported in the literature. This variant is reported in 0.011% of alleles in individuals of Ashkenazi Jewish descent in gnomAD. At this time, the clinical significance of this variant is uncertain due to the absence of conclusive functional and genetic evidence.

CeGaT Center for Human Genetics Tuebingen
Classification: Uncertain significance. Last evaluated: 2024-06-01. Review status: criteria provided, single submitter. Criteria: CeGaT Center For Human Genetics Tuebingen Variant Classification Criteria Version 2. Collection method: clinical testing. Allele origin: germline. Affected: yes. Observed: 3 variant alleles.
Comment: CTSA: PM2:Supporting, BP4

Fulgent Genetics
Classification: Uncertain significance for Combined deficiency of sialidase AND beta galactosidase. Last evaluated: 2024-05-01. Review status: criteria provided, single submitter. Criteria: ACMG Guidelines, 2015. Collection method: clinical testing. Allele origin: germline.

Ambry Genetics
Classification: Uncertain significance for Inborn genetic diseases. Last evaluated: 2021-07-13. Review status: criteria provided, single submitter. Criteria: Ambry Variant Classification Scheme 2023. Collection method: clinical testing. Allele origin: germline.